The following is an entry in ClinVar:

ClinVar aggregate classification (germline): Benign/Likely benign. Review status: criteria provided, multiple submitters, no conflicts (2 of 4 stars). 4 submissions from 4 submitters: Benign (2); Likely benign (1). 1 of the submissions does not count toward it. Last evaluated 2024-11-26.

Conditions:
PTPRF-related disorder. Also called: PTPRF-related condition.

Allele frequency attached by ClinVar (database versions not stated): 1000 Genomes Project 0.00080; 1000 Genomes Project 30x 0.00094; ESP Exome Variant Server 0.00166; TOPMed 0.00221; gnomAD exomes 0.00228 and 0.00314; gnomAD 0.00242 and 0.00253; ExAC 0.00376.

Submissions (4):

Blueprint Genetics
Classification: Likely benign. Last evaluated: 2024-11-26. Review status: criteria provided, single submitter. Criteria: ACMG Guidelines, 2015. Collection method: clinical testing. Allele origin: germline.

Labcorp Genetics (formerly Invitae), Labcorp
Classification: Benign. Last evaluated: 2019-12-31. Review status: criteria provided, single submitter. Criteria: Invitae Variant Classification Sherloc (09022015). Collection method: clinical testing. Allele origin: germline.

Breakthrough Genomics
Classification: Benign. Review status: criteria provided, single submitter. Criteria: ACMG Guidelines, 2015. Collection method: not provided. Allele origin: germline. Inheritance: Autosomal recessive inheritance. Affected: yes.

PreventionGenetics, part of Exact Sciences
Classification: Likely benign for PTPRF-related condition. Last evaluated: 2019-12-12. Review status: no assertion criteria provided. Collection method: clinical testing. Allele origin: germline. Not counted in ClinVar's aggregate classification.
Comment: This variant is classified as likely benign based on ACMG/AMP sequence variant interpretation guidelines (Richards et al. 2015 PMID: 25741868, with internal and published modifications).

NM_002840.5(PTPRF):c.1531+9G>A

Gene: PTPRF (protein tyrosine phosphatase receptor type F; plus strand). Cytogenetic location: 1p34.2.
Variant type: single nucleotide variant.
Coding change: c.1531+9G>A on transcript NM_002840.5 (MANE Select); 9 bases into the intron after coding-DNA position 1531, G replaced by A.
Molecular consequence: intron variant.
Genome position (GRCh38, 1-based): chr1:43,591,562, G>A. VCF-style: chr1-43591562-G-A. GRCh37 (hg19) VCF-style: chr1-44057233-G-A.
Other names: c.1561+9G>A (NM_001329138.2); c.1549+9G>A (NM_001329137.2); c.1531+9G>A (NM_130440.4, NM_001329139.2, NM_001329140.2).
Identifiers: ClinVar variation 731269 (VCV000731269.8), dbSNP rs188853413, ClinGen allele CA812133.